The following is an entry in ClinVar:

ClinVar aggregate classification (germline): Uncertain significance. Review status: criteria provided, multiple submitters, no conflicts (2 of 4 stars). 2 submissions from 2 submitters: Uncertain significance (2). Last evaluated 2026-01-06.

Conditions:
Dyskeratosis congenita, autosomal dominant 2. Identifiers: MedGen C3151443, MONDO:0013521, OMIM 613989.
Idiopathic Pulmonary Fibrosis. Also called: Idiopathic fibrosing alveolitis, chronic form; idiopathic fibrosing alveolitis. Identifiers: Orphanet 2032, MedGen C1800706, MeSH D054990, MONDO:0800504.
Dyskeratosis congenita. Identifiers: Orphanet 1775, MedGen C0265965, MONDO:0015780.

Submissions (2):

Labcorp Genetics (formerly Invitae), Labcorp
Classification: Uncertain significance for Dyskeratosis congenita, autosomal dominant 2; Idiopathic Pulmonary Fibrosis. Last evaluated: 2026-01-06. Review status: criteria provided, single submitter. Criteria: Invitae Variant Classification Sherloc (09022015). Collection method: clinical testing. Allele origin: germline.
Comment: This sequence change replaces alanine, which is neutral and non-polar, with valine, which is neutral and non-polar, at codon 102 of the TERT protein (p.Ala102Val). This variant is not present in population databases (gnomAD no frequency). This variant has not been reported in the literature in individuals affected with TERT-related conditions. ClinVar contains an entry for this variant (Variation ID: 1351748). Invitae Evidence Modeling of protein sequence and biophysical properties (such as structural, functional, and spatial information, amino acid conservation, physicochemical variation, residue mobility, and thermodynamic stability) indicates that this missense variant is expected to disrupt TERT protein function with a positive predictive value of 95%. In summary, the available evidence is currently insufficient to determine the role of this variant in disease. Therefore, it has been classified as a Variant of Uncertain Significance.

Ambry Genetics
Classification: Uncertain significance for Dyskeratosis congenita. Last evaluated: 2025-03-14. Review status: criteria provided, single submitter. Criteria: Ambry Variant Classification Scheme 2023. Collection method: clinical testing. Allele origin: germline.
Comment: The p.A102V variant (also known as c.305C>T), located in coding exon 2 of the TERT gene, results from a C to T substitution at nucleotide position 305. The alanine at codon 102 is replaced by valine, an amino acid with similar properties. This amino acid position is conserved. In addition, the in silico prediction for this alteration is inconclusive. Based on the available evidence, the clinical significance of this variant remains unclear.

NM_198253.3(TERT):c.305C>T (p.Ala102Val)

Gene: TERT (telomerase reverse transcriptase; minus strand). Cytogenetic location: 5p15.33.
Variant type: single nucleotide variant.
Coding change: c.305C>T on transcript NM_198253.3 (MANE Select); coding-DNA position 305, C replaced by T.
Protein change: p.Ala102Val; replaces alanine 102 with valine.
Molecular consequence: missense variant. On other transcripts: non-coding transcript variant (2).
Genome position (GRCh38, 1-based): chr5:1,294,581, G>A on the plus strand (C>T on the coding strand, the complement: TERT is on the minus strand). VCF-style: chr5-1294581-G-A. GRCh37 (hg19) VCF-style: chr5-1294696-G-A.
Other names: c.305C>T, p.Ala102Val (NM_001193376.3); c.305C>T (NM_198253.2); short protein forms A102V.
Identifiers: ClinVar variation 1351748 (VCV001351748.9), dbSNP rs2126690624, ClinGen allele CA359058400.
Genomic context (GRCh38, chr5:1,294,581, plus strand): 5'-TAGCTGCGCACGCTGGTGGTGAAGGCCTCGGGGGGGCCCCCGCGGGCCCCGTCCAGCAGC[G>A]CGAAGCCGAAGGCCAGCACGTTCTTCGCGCCGCGCTCGCACAGCCTCTGCAGCACTCGGG-3'
Protein context (NP_937983.2, residues 92-112): GAKNVLAFGF[Ala102Val]LLDGARGGPP